The following is an entry in ClinVar:

NM_006922.4(SCN3A):c.70G>A (p.Ala24Thr)

Gene: SCN3A (sodium voltage-gated channel alpha subunit 3; minus strand). Cytogenetic location: 2q24.3.
Variant type: single nucleotide variant.
Coding change: c.70G>A on transcript NM_006922.4 (MANE Select); coding-DNA position 70, G replaced by A.
Protein change: p.Ala24Thr; replaces alanine 24 with threonine.
Molecular consequence: missense variant.
Genome position (GRCh38, 1-based): chr2:165,176,325, C>T on the plus strand (G>A on the coding strand, the complement: SCN3A is on the minus strand). VCF-style: chr2-165176325-C-T. GRCh37 (hg19) VCF-style: chr2-166032835-C-T.
Other names: c.70G>A, p.Ala24Thr (NM_001081676.2, NM_001081677.2); short protein forms A24T.
Identifiers: ClinVar variation 1023023 (VCV001023023.8), dbSNP rs1690458845, ClinGen allele CA349241140.

ClinVar aggregate classification (germline): Uncertain significance (1 of 4 stars; one submission).

Submission:

Labcorp Genetics (formerly Invitae), Labcorp
Classification: Uncertain significance. Last evaluated: 2022-10-24. Review status: criteria provided, single submitter. Criteria: Invitae Variant Classification Sherloc (09022015). Collection method: clinical testing. Allele origin: germline.
Comment: This sequence change replaces alanine, which is neutral and non-polar, with threonine, which is neutral and polar, at codon 24 of the SCN3A protein (p.Ala24Thr). This variant is not present in population databases (gnomAD no frequency). This variant has not been reported in the literature in individuals affected with SCN3A-related conditions. ClinVar contains an entry for this variant (Variation ID: 1023023). Advanced modeling of protein sequence and biophysical properties (such as structural, functional, and spatial information, amino acid conservation, physicochemical variation, residue mobility, and thermodynamic stability) performed at Invitae indicates that this missense variant is not expected to disrupt SCN3A protein function. In summary, the available evidence is currently insufficient to determine the role of this variant in disease. Therefore, it has been classified as a Variant of Uncertain Significance.